The following is an entry in ClinVar:

ClinVar aggregate classification (germline): Pathogenic (1 of 4 stars; one submission).

Submission:

GeneDx
Classification: Pathogenic. Last evaluated: 2017-01-09. Review status: criteria provided, single submitter. Criteria: GeneDx Variant Classification (06012015). Collection method: clinical testing. Allele origin: germline. Affected: yes.
Comment: This duplication of one nucleotide in BRCA2 is denoted c.1840dupA at the cDNA level and p.Ile614AsnfsX2 (I614NfsX2) at the protein level. The normal sequence, with the base that is duplicated in brackets, is ACTA[dupA]TTAA. Using alternate nomenclature, this variant would be defined as BRCA2 2068dupA. The duplication causes a frameshift which changes an Isoleucine to an Asparagine at codon 614, and creates a premature stop codon at position 2 of the new reading frame. Although this variant has not, to our knowledge, been reported in the literature, it is predicted to cause loss of normal protein function through either protein truncation or nonsense-mediated mRNA decay. We consider this variant to be pathogenic.

NM_000059.4(BRCA2):c.1840dup (p.Ile614fs)

Gene: BRCA2 (BRCA2 DNA repair associated; plus strand). Cytogenetic location: 13q13.1.
Variant type: Duplication.
Coding change: c.1840dup on transcript NM_000059.4 (MANE Select); coding-DNA position 1840, one base duplicated (A; older notation c.1840dupA).
Protein change: p.Ile614fs; shifts the reading frame from isoleucine 614.
Molecular consequence: frameshift variant.
Genome position (GRCh38, 1-based): chr13:32,333,318, A duplicated; the last of 2 consecutive A bases (chr13:32,333,317-32,333,318); duplicating either gives the same sequence. VCF-style (leftmost placement, unchanged base first): chr13-32333316-T-TA. GRCh37 (hg19) VCF-style: chr13-32907453-T-TA.
Other names: c.1840dupA (NM_000059.3); short protein forms I614fs.
Identifiers: ClinVar variation 545759 (VCV000545759.2), dbSNP rs1555282108, ClinGen allele CA658823591.